The following is an entry in ClinVar:

NC_000023.10:g.(?_22263430)_(22266301_?)dup

Gene: PHEX (phosphate regulating endopeptidase X-linked; plus strand). Cytogenetic location: Xp22.11.
Variant type: Duplication.
Identifiers: ClinVar variation 1003075 (VCV001003075.7).

ClinVar aggregate classification (germline): Uncertain significance (1 of 4 stars; one submission).

Submission:

Labcorp Genetics (formerly Invitae), Labcorp
Classification: Uncertain significance. Last evaluated: 2020-11-16. Review status: criteria provided, single submitter. Criteria: Invitae Variant Classification Sherloc (09022015). Collection method: clinical testing. Allele origin: germline.
Comment: In summary, the available evidence is currently insufficient to determine the role of this variant in disease. Therefore, it has been classified as a Variant of Uncertain Significance. Experimental studies and prediction algorithms are not available or were not evaluated, and the functional significance of this variant is currently unknown. This variant has been observed in individual(s) with clinical features of hypophosphatemic rickets (Invitae). This variant results in a copy number gain of the genomic region encompassing exon(s) 21-22 of the PHEX gene. The 5' boundary is likely confined to intron 20. The 3' end of this event is unknown as it extends beyond the assayed region for this gene and therefore may encompass additional genes. As the precise location of this event is unknown, it may be in tandem or it may be located elsewhere in the genome.